The following is an entry in ClinVar:

NM_000075.4(CDK4):c.355-17C>T

Gene: CDK4 (cyclin dependent kinase 4; minus strand). Cytogenetic location: 12q14.1.
Variant type: single nucleotide variant.
Coding change: c.355-17C>T on transcript NM_000075.4 (MANE Select); 17 bases into the intron before coding-DNA position 355, C replaced by T.
Molecular consequence: intron variant.
Genome position (GRCh38, 1-based): chr12:57,751,107, G>A on the plus strand (C>T on the coding strand, the complement: CDK4 is on the minus strand). VCF-style: chr12-57751107-G-A. GRCh37 (hg19) VCF-style: chr12-58144890-G-A.
Identifiers: ClinVar variation 3379218 (VCV003379218.1).

ClinVar aggregate classification (germline): Likely benign (1 of 4 stars; one submission).

Conditions:
Melanoma, cutaneous malignant, susceptibility to, 3. Also called: Cutaneous malignant melanoma 3. Identifiers: Orphanet 618, MedGen C1836892, MONDO:0012183, OMIM 609048.

Submission:

Myriad Genetics, Inc.
Classification: Likely benign for Melanoma, cutaneous malignant, susceptibility to, 3. Last evaluated: 2024-09-25. Review status: criteria provided, single submitter. Criteria: Myriad Autosomal Dominant, Autosomal Recessive and X-Linked Classification Criteria (2023). Collection method: clinical testing. Allele origin: unknown.
Comment: This variant is considered likely benign. This variant is intronic and is not expected to impact mRNA splicing.